The following is an entry in ClinVar:

NM_203447.4(DOCK8):c.3175dup (p.Leu1059fs)

Gene: DOCK8 (dedicator of cytokinesis 8; plus strand). Cytogenetic location: 9p24.3.
Variant type: Duplication.
Coding change: c.3175dup on transcript NM_203447.4 (MANE Select); coding-DNA position 3175, one base duplicated (C; older notation c.3175dupC).
Protein change: p.Leu1059fs; shifts the reading frame from leucine 1059.
Molecular consequence: frameshift variant.
Genome position (GRCh38, 1-based): chr9:399,200, C duplicated; the last of 2 consecutive C bases (chr9:399,199-399,200); duplicating either gives the same sequence. VCF-style (leftmost placement, unchanged base first): chr9-399198-A-AC. GRCh37 (hg19) VCF-style: chr9-399198-A-AC.
Other names: c.2875dup, p.Leu959fs (NM_001190458.2); c.2971dup, p.Leu991fs (NM_001193536.2); short protein forms L1059fs, L959fs, L991fs.
Identifiers: ClinVar variation 3391066 (VCV003391066.3).

ClinVar aggregate classification (germline): Pathogenic/Likely pathogenic. Review status: criteria provided, multiple submitters, no conflicts (2 of 4 stars). 2 submissions from 2 submitters: Pathogenic (1); Likely pathogenic (1). Last evaluated 2024-12-18.

Conditions:
Combined immunodeficiency due to DOCK8 deficiency (HIES2). Also called: HIES autosomal recessive; HYPER-IgE SYNDROME 2, AUTOSOMAL RECESSIVE, WITH RECURRENT INFECTIONS; HYPER-IgE RECURRENT INFECTION SYNDROME 2, AUTOSOMAL RECESSIVE; DOCK8 Deficiency; Hyper-IgE recurrent infection syndrome, autosomal recessive. Identifiers: Orphanet 217390, MedGen C4722305, MONDO:0009478, OMIM 243700.

Submissions (2):

Genomic Medicine Center of Excellence, King Faisal Specialist Hospital and Research Centre
Classification: Likely pathogenic for Combined immunodeficiency due to DOCK8 deficiency. Last evaluated: 2024-12-18. Review status: criteria provided, single submitter. Criteria: ACMG Guidelines, 2015. Collection method: clinical testing. Allele origin: germline.

Labcorp Genetics (formerly Invitae), Labcorp
Classification: Pathogenic for Combined immunodeficiency due to DOCK8 deficiency. Last evaluated: 2024-09-28. Review status: criteria provided, single submitter. Criteria: Invitae Variant Classification Sherloc (09022015). Collection method: clinical testing. Allele origin: germline.
Comment: This sequence change creates a premature translational stop signal (p.Leu1059Profs*12) in the DOCK8 gene. It is expected to result in an absent or disrupted protein product. Loss-of-function variants in DOCK8 are known to be pathogenic (PMID: 14722525, 19776401). This variant is not present in population databases (gnomAD no frequency). This variant has not been reported in the literature in individuals affected with DOCK8-related conditions. For these reasons, this variant has been classified as Pathogenic.

Literature cited by the submitters: PubMed 14722525 (cited by Labcorp Genetics (formerly Invitae), Labcorp); PubMed 19776401 (cited by Labcorp Genetics (formerly Invitae), Labcorp).